The following is an entry in ClinVar:

NM_144997.7(FLCN):c.1243del (p.Cys415fs)

Gene: FLCN (folliculin; minus strand). Cytogenetic location: 17p11.2.
Variant type: Deletion.
Coding change: c.1243del on transcript NM_144997.7 (MANE Select); coding-DNA position 1243, one base deleted (T; older notation c.1243delT).
Protein change: p.Cys415fs; shifts the reading frame from cysteine 415.
Molecular consequence: frameshift variant.
Genome position (GRCh38, 1-based): chr17:17,216,437, A deleted on the plus strand (T on the coding strand, the reverse complement: FLCN is on the minus strand). VCF-style (leftmost placement, unchanged base first): chr17-17216436-CA-C. GRCh37 (hg19) VCF-style: chr17-17119750-CA-C.
Other names: c.1297del, p.Cys433fs (NM_001353229.2); c.1243del, p.Cys415fs (NM_001353230.2, NM_001353231.2); short protein forms C415fs, C433fs.
Identifiers: ClinVar variation 3904683 (VCV003904683.1).

ClinVar aggregate classification (germline): Pathogenic (1 of 4 stars; one submission).

Conditions:
Birt-Hogg-Dube syndrome 1 (BHD1). Also called: FIBROFOLLICULOMAS WITH TRICHODISCOMAS AND ACROCHORDONS. Identifiers: Orphanet 122, MedGen CN375946, MONDO:0800445, OMIM 135150.

Submission:

Myriad Genetics, Inc.
Classification: Pathogenic for Birt-Hogg-Dube syndrome 1. Last evaluated: 2024-12-23. Review status: criteria provided, single submitter. Criteria: Myriad Autosomal Dominant, Autosomal Recessive and X-Linked Classification Criteria (2023). Collection method: clinical testing. Allele origin: unknown.
Comment: This variant is considered pathogenic. This variant creates a frameshift predicted to result in premature protein truncation.